The following is an entry in ClinVar:

NM_015512.5(DNAH1):c.12210del (p.Val4071fs)

Gene: DNAH1 (dynein axonemal heavy chain 1; plus strand). Cytogenetic location: 3p21.1.
Variant type: Deletion.
Coding change: c.12210del on transcript NM_015512.5 (MANE Select); coding-DNA position 12210, one base deleted (T; older notation c.12210delT).
Protein change: p.Val4071fs; shifts the reading frame from valine 4071.
Molecular consequence: frameshift variant.
Genome position (GRCh38, 1-based): chr3:52,398,970, T deleted. VCF-style (leftmost placement, unchanged base first): chr3-52398969-CT-C. GRCh37 (hg19) VCF-style: chr3-52432985-CT-C.
Other names: short protein forms V4071fs.
Identifiers: ClinVar variation 5018644 (VCV005018644.1).

ClinVar aggregate classification (germline): Pathogenic (1 of 4 stars; one submission).

Conditions:
Spermatogenic failure 18. Identifiers: MedGen C4539783, MONDO:0054615, OMIM 617576.
Ciliary dyskinesia, primary, 37 (CILD37). Also called: CILIARY DYSKINESIA, PRIMARY, 37, WITH OR WITHOUT SITUS INVERSUS. Identifiers: MedGen C4539798, MONDO:0033204, OMIM 617577.

Submission:

Juno Genomics, Hangzhou Juno Genomics, Inc
Classification: Pathogenic for Spermatogenic failure 18; Ciliary dyskinesia, primary, 37. Review status: criteria provided, single submitter. Criteria: ACMG Guidelines, 2015. Collection method: clinical testing. Allele origin: germline. Affected: yes.
Comment: Absent from controls (or at extremely low frequency if recessive) in Genome Aggregation Database.;Null variant in a gene where loss of function (LOF) is a known mechanism of disease.;For recessive disorders, detected in trans with a pathogenic variant.;Patient's phenotype or family history is highly specific for a disease with a single genetic etiology.